The following is an entry in ClinVar:

NM_020975.6(RET):c.445TTC[1] (p.Phe150del)

Gene: RET (ret proto-oncogene; plus strand). Cytogenetic location: 10q11.21.
Variant type: Microsatellite.
Coding change: c.445TTC[1] on transcript NM_020975.6 (MANE Select); one copy of the 3-base unit TTC starting at c.445; the reference has two copies in a row; one copy, 3 bases deleted; also written c.448_450del.
Protein change: p.Phe150del; deletes phenylalanine 150.
Molecular consequence: inframe deletion. On other transcripts: inframe indel (20).
Genome position (GRCh38, 1-based): chr10:43,102,452-43,102,454, TTC deleted; deleting any 3 consecutive bases within chr10:43,102,448-43,102,454 gives the same sequence; the position shown is the placement nearest the transcript's 3' end. VCF-style (leftmost placement, unchanged base first): chr10-43102447-CCTT-C. GRCh37 (hg19) VCF-style: chr10-43597895-CCTT-C.
Other names: c.448_450delTTC (NM_020975.4); c.448_450del (NM_020975.4, NM_020975.6, NM_020630.5); c.445_447TTC[1], p.Phe150del (NM_001406760.1, NM_001406763.1, NM_001406765.1 and 17 more transcripts); short protein forms F150del.
Identifiers: ClinVar variation 1016306 (VCV001016306.15), dbSNP rs776989694, ClinGen allele CA043701.

ClinVar aggregate classification (germline): Uncertain significance. Review status: criteria provided, multiple submitters, no conflicts (2 of 4 stars). 5 submissions from 5 submitters: Uncertain significance (5). Last evaluated 2026-02-20.

Conditions:
Multiple endocrine neoplasia type 2B. Also called: Multiple endocrine neoplasia, type 3; MEN 2B; MULTIPLE ENDOCRINE NEOPLASIA, TYPE IIB; MUCOSAL NEUROMA SYNDROME; Multiple Endocrine Neoplasia Type 2B (MEN2B); MEN IIB. Identifiers: Orphanet 247709, Orphanet 653, MedGen C0025269, MeSH D018814, MONDO:0008082, OMIM 162300.
Hirschsprung disease, susceptibility to, 1 (HSCR1). Also called: RET-Related Hirschsprung Disease. Identifiers: Orphanet 388, MedGen C3888239, MONDO:0007723, OMIM 142623.
Pheochromocytoma. Also called: MAX-Related Hereditary Paraganglioma-Pheochromocytoma Syndrome. Identifiers: Orphanet 29072, MedGen C0031511, MONDO:0008233, OMIM 171300, HP:0002666.
Multiple endocrine neoplasia type 2A. Also called: MULTIPLE ENDOCRINE NEOPLASIA, TYPE IIA; PTC SYNDROME; SIPPLE SYNDROME; MEN 2A; MEN-2A syndrome; Pheochromocytoma and amyloid producing medullary thyroid carcinoma. Identifiers: Orphanet 247698, Orphanet 653, MedGen C0025268, MeSH D018813, MONDO:0008234, OMIM 171400.
Familial medullary thyroid carcinoma (MTC). Also called: Thyroid cancer, familial medullary; MTC, familial; Familial Medullary Thyroid Carcinoma (FMTC). Identifiers: Orphanet 653, Orphanet 99361, MedGen C1833921, MONDO:0007958, OMIM 155240.
Hereditary cancer-predisposing syndrome. Also called: Hereditary Cancer Syndrome; Hereditary neoplastic syndrome; Tumor predisposition; Neoplastic Syndromes, Hereditary. Identifiers: Orphanet 140162, MedGen C0027672, MeSH D009386, MONDO:0015356.
Multiple endocrine neoplasia, type 2 (MEN2). Identifiers: Orphanet 653, MedGen C4048306, MONDO:0019003. Disease mechanism: gain of function.

Submissions (5):

St. Jude Molecular Pathology, St. Jude Children's Research Hospital
Classification: Uncertain significance for Multiple endocrine neoplasia type 2A. Last evaluated: 2026-02-20. Review status: criteria provided, single submitter. Criteria: St. Jude Assertion Criteria 2020. Collection method: clinical testing. Allele origin: germline.
Comment: The RET c.448_450del p.(Phe150del) deletes three nucleotides at position 448-450 resulting in an in-frame deletion of one amino acid residue. This variant has a maximum subpopulation frequency of 0.003% in gnomAD v2.1.1. To our knowledge, this variant has not been reported in the literature in individuals with multiple endocrine neoplasia type II. In summary, the evide nce currently available is insufficient to determine the clinical significance of this variant. It has therefore been classified as of uncertain significance.

Labcorp Genetics (formerly Invitae), Labcorp
Classification: Uncertain significance for Multiple endocrine neoplasia, type 2. Last evaluated: 2025-12-09. Review status: criteria provided, single submitter. Criteria: Invitae Variant Classification Sherloc (09022015). Collection method: clinical testing. Allele origin: germline.
Comment: This variant, c.448_450del, results in the deletion of 1 amino acid(s) of the RET protein (p.Phe150del), but otherwise preserves the integrity of the reading frame. This variant is present in population databases (rs776989694, gnomAD 0.003%). This variant has not been reported in the literature in individuals affected with RET-related conditions. ClinVar contains an entry for this variant (Variation ID: 1016306). Experimental studies and prediction algorithms are not available or were not evaluated, and the functional significance of this variant is currently unknown. In summary, the available evidence is currently insufficient to determine the role of this variant in disease. Therefore, it has been classified as a Variant of Uncertain Significance.

GeneDx
Classification: Uncertain significance. Last evaluated: 2024-05-03. Review status: criteria provided, single submitter. Criteria: GeneDx Variant Classification Process June 2021. Collection method: clinical testing. Allele origin: germline. Affected: yes.
Comment: In-frame deletion of 1 amino acid in a non-repeat region; In silico analysis supports a deleterious effect on protein structure/function; Observed in an individual with Hirschsprung disease and exocrine pancreatic insufficiency (PMID: EelenJ2020[article]); Not observed at significant frequency in large population cohorts (gnomAD); This variant is associated with the following publications: (PMID: 14633923, EelenJ2020[article])

Ambry Genetics
Classification: Uncertain significance for Hereditary cancer-predisposing syndrome. Last evaluated: 2024-03-11. Review status: criteria provided, single submitter. Criteria: Ambry Variant Classification Scheme 2023. Collection method: clinical testing. Allele origin: germline.
Comment: The c.448_450delTTC variant (also known as p.F150del) is located in coding exon 3 of the RET gene. This variant results from an in-frame TTC deletion at nucleotide positions 448 to 450. This results in the in-frame deletion of a phenylalanine at codon 150. This amino acid position is poorly conserved in available vertebrate species. In addition, the in silico prediction for this alteration is inconclusive (Choi Y et al. PLoS ONE. 2012; 7(10):e46688). Since supporting evidence is limited at this time, the clinical significance of this alteration remains unclear.

Fulgent Genetics
Classification: Uncertain significance for Hirschsprung disease, susceptibility to, 1; Familial medullary thyroid carcinoma; Multiple endocrine neoplasia type 2B; Pheochromocytoma; Multiple endocrine neoplasia type 2A. Last evaluated: 2022-05-16. Review status: criteria provided, single submitter. Criteria: ACMG Guidelines, 2015. Collection method: clinical testing. Allele origin: unknown.